The following is an entry in ClinVar:

ClinVar aggregate classification (germline): Uncertain significance (1 of 4 stars; one submission).

Submission:

GeneDx
Classification: Uncertain significance. Last evaluated: 2023-07-20. Review status: criteria provided, single submitter. Criteria: GeneDx Variant Classification Process June 2021. Collection method: clinical testing. Allele origin: germline. Affected: yes.
Comment: Not observed at significant frequency in large population cohorts (gnomAD); In silico analysis supports that this missense variant does not alter protein structure/function; Has not been previously published as pathogenic or benign to our knowledge

NM_020964.3(EPG5):c.4381G>C (p.Glu1461Gln)

Gene: EPG5 (ectopic P-granules 5 autophagy tethering factor; minus strand). Cytogenetic location: 18q21.1.
Variant type: single nucleotide variant.
Coding change: c.4381G>C on transcript NM_020964.3 (MANE Select); coding-DNA position 4381, G replaced by C.
Protein change: p.Glu1461Gln; replaces glutamic acid 1461 with glutamine.
Molecular consequence: missense variant.
Genome position (GRCh38, 1-based): chr18:45,904,066, C>G on the plus strand (G>C on the coding strand, the complement: EPG5 is on the minus strand). VCF-style: chr18-45904066-C-G. GRCh37 (hg19) VCF-style: chr18-43484031-C-G.
Other names: c.4381G>C, p.Glu1461Gln (NM_001410858.1, NM_001410859.1); short protein forms E1461Q.
Identifiers: ClinVar variation 3361076 (VCV003361076.1).